The following is an entry in ClinVar:

ClinVar aggregate classification (germline): Likely benign (0 of 4 stars; one submission).

Conditions:
NPHP3-related disorder. Also called: NPHP3-related condition; NPHP3-related disorders. Identifiers: MedGen CN379163.

gnomAD v4.1: 2 of 1,613,834 alleles (0.00012%); highest among the groups gnomAD compares: East Asian, 0.0045%; no homozygotes.

Submission:

PreventionGenetics, part of Exact Sciences
Classification: Likely benign for NPHP3-related condition. Last evaluated: 2021-06-18. Review status: no assertion criteria provided. Collection method: clinical testing. Allele origin: germline.
Comment: This variant is classified as likely benign based on ACMG/AMP sequence variant interpretation guidelines (Richards et al. 2015 PMID: 25741868, with internal and published modifications).

NM_153240.5(NPHP3):c.2232T>G (p.Thr744=)

Genes: NPHP3 (nephrocystin 3; minus strand), NPHP3-ACAD11 (NPHP3-ACAD11 readthrough (NMD candidate); minus strand). Cytogenetic location: 3q22.1.
Variant type: single nucleotide variant.
Coding change: c.2232T>G on transcript NM_153240.5 (MANE Select); coding-DNA position 2232, T replaced by G.
Protein change: p.Thr744=; no amino-acid change (threonine 744 retained).
Molecular consequence: synonymous variant. On other transcripts: non-coding transcript variant (1).
Genome position (GRCh38, 1-based): chr3:132,694,905, A>C on the plus strand (T>G on the coding strand, the complement: NPHP3 is on the minus strand). VCF-style: chr3-132694905-A-C. GRCh37 (hg19) VCF-style: chr3-132413749-A-C.
Identifiers: ClinVar variation 3056674 (VCV003056674.2), dbSNP rs767339363, ClinGen allele CA2622072.